The following is an entry in ClinVar:

ClinVar aggregate classification (germline): Benign/Likely benign. Review status: criteria provided, multiple submitters, no conflicts (2 of 4 stars). 2 submissions from 2 submitters: Benign (1); Likely benign (1). Last evaluated 2020-03-26.

Conditions:
Abetalipoproteinaemia (ABL). Also called: MTP DEFICIENCY; Abetalipoproteinemia; Abetalipoproteinemia neuropathy; Apolipoprotein B deficiency; Congenital betalipoprotein deficiency syndrome. Identifiers: Orphanet 14, MedGen C0000744, MONDO:0008692, OMIM 200100, HP:0008181.

Allele frequency attached by ClinVar (database versions not stated): gnomAD exomes 0.00083; 1000 Genomes Project 0.00559; 1000 Genomes Project 30x 0.00609; gnomAD 0.00645 and 0.00692; TOPMed 0.00760.
gnomAD v4.1: 1,258 of 482,074 alleles (0.26%); highest among the groups gnomAD compares: African/African-American, 2.2%; 11 homozygotes.

Submissions (2):

GeneDx
Classification: Likely benign. Last evaluated: 2020-03-26. Review status: criteria provided, single submitter. Criteria: GeneDx Variant Classification Process June 2021. Collection method: clinical testing. Allele origin: germline. Affected: yes.

Illumina Laboratory Services, Illumina
Classification: Benign for Abetalipoproteinaemia. Last evaluated: 2018-01-13. Review status: criteria provided, single submitter. Criteria: ICSL Variant Classification Criteria 13 December 2019. Collection method: clinical testing. Allele origin: germline.
Comment: This variant was observed in the ICSL laboratory as part of a predisposition screen in an ostensibly healthy population. It had not been previously curated by ICSL or reported in the Human Gene Mutation Database (HGMD: prior to June 1st, 2018), and was therefore a candidate for classification through an automated scoring system. Utilizing variant allele frequency, disease prevalence and penetrance estimates, and inheritance mode, an automated score was calculated to assess if this variant is too frequent to cause the disease. Based on the score and internal cut-off values, a variant classified as benign is not then subjected to further curation. The score for this variant resulted in a classification of benign for this disease.

NM_001386140.1(MTTP):c.*267A>C

Gene: MTTP (microsomal triglyceride transfer protein; plus strand). Cytogenetic location: 4q23.
Variant type: single nucleotide variant.
Coding change: c.*267A>C on transcript NM_001386140.1 (MANE Select); 267 bases downstream of the stop codon, A replaced by C.
Molecular consequence: 3 prime UTR variant.
Genome position (GRCh38, 1-based): chr4:99,623,115, A>C. VCF-style: chr4-99623115-A-C. GRCh37 (hg19) VCF-style: chr4-100544272-A-C.
Other names: c.*267A>C (NM_000253.4, NM_001300785.2).
Identifiers: ClinVar variation 901830 (VCV000901830.7), dbSNP rs79992570, ClinGen allele CA102652761.